The following is an entry in ClinVar:

ClinVar aggregate classification (germline): Uncertain significance (1 of 4 stars; one submission).

Conditions:
Hypertrophic cardiomyopathy. Also called: HYPERTROPHIC MYOCARDIOPATHY. Identifiers: Orphanet 217569, MedGen C0007194, MeSH D002312, MONDO:0005045, HP:0001639.

Submission:

Labcorp Genetics (formerly Invitae), Labcorp
Classification: Uncertain significance for Hypertrophic cardiomyopathy. Last evaluated: 2022-03-23. Review status: criteria provided, single submitter. Criteria: Invitae Variant Classification Sherloc (09022015). Collection method: clinical testing. Allele origin: germline.
Comment: In summary, the available evidence is currently insufficient to determine the role of this variant in disease. Therefore, it has been classified as a Variant of Uncertain Significance. This variant is found within a region of MYH7 between codons 181 and 937 that contains the majority of the myosin head domain. Missense variants in this region have been shown to be significantly overrepresented in individuals with hypertrophic cardiomyopathy (PMID: 27532257). Algorithms developed to predict the effect of missense changes on protein structure and function are either unavailable or do not agree on the potential impact of this missense change (SIFT: "Deleterious"; PolyPhen-2: "Probably Damaging"; Align-GVGD: "Class C0"). This variant has not been reported in the literature in individuals affected with MYH7-related conditions. This variant is not present in population databases (gnomAD no frequency). This sequence change replaces leucine, which is neutral and non-polar, with methionine, which is neutral and non-polar, at codon 395 of the MYH7 protein (p.Leu395Met).

Literature cited by the submitters: PubMed 27532257.

NM_000257.4(MYH7):c.1183C>A (p.Leu395Met)

Gene: MYH7 (myosin heavy chain 7; minus strand). Cytogenetic location: 14q11.2.
Variant type: single nucleotide variant.
Coding change: c.1183C>A on transcript NM_000257.4 (MANE Select); coding-DNA position 1183, C replaced by A.
Protein change: p.Leu395Met; replaces leucine 395 with methionine.
Molecular consequence: missense variant.
Genome position (GRCh38, 1-based): chr14:23,429,303, G>T on the plus strand (C>A on the coding strand, the complement: MYH7 is on the minus strand). VCF-style: chr14-23429303-G-T. GRCh37 (hg19) VCF-style: chr14-23898512-G-T.
Other names: c.1183C>A, p.Leu395Met (NM_001407004.1); short protein forms L395M.
Identifiers: ClinVar variation 2115806 (VCV002115806.4), dbSNP rs1324850187, ClinGen allele CA389051170.